The following is an entry in ClinVar:

NM_014975.3(MAST1):c.1693G>A (p.Gly565Ser)

Gene: MAST1 (microtubule associated serine/threonine kinase 1; plus strand). Cytogenetic location: 19p13.13.
Variant type: single nucleotide variant.
Coding change: c.1693G>A on transcript NM_014975.3 (MANE Select); coding-DNA position 1693, G replaced by A.
Protein change: p.Gly565Ser; replaces glycine 565 with serine.
Molecular consequence: missense variant.
Genome position (GRCh38, 1-based): chr19:12,865,370, G>A. VCF-style: chr19-12865370-G-A. GRCh37 (hg19) VCF-style: chr19-12976184-G-A.
Other names: short protein forms G565S.
Identifiers: ClinVar variation 3572720 (VCV003572720.3).

ClinVar aggregate classification (germline): Uncertain significance. Review status: criteria provided, multiple submitters, no conflicts (2 of 4 stars). 2 submissions from 2 submitters: Uncertain significance (2). Last evaluated 2025-07-14.

Conditions:
Inborn genetic diseases. Identifiers: MedGen C0950123, MeSH D030342.

gnomAD v4.1: 3 of 1,611,836 alleles (0.00019%); highest among the groups gnomAD compares: Non-Finnish European, 0.00025%; no homozygotes.

Submissions (2):

Ambry Genetics
Classification: Uncertain significance for Inborn genetic diseases. Last evaluated: 2025-07-14. Review status: criteria provided, single submitter. Criteria: Ambry Variant Classification Scheme 2023. Collection method: clinical testing. Allele origin: germline.

GeneDx
Classification: Uncertain significance. Last evaluated: 2025-05-05. Review status: criteria provided, single submitter. Criteria: GeneDx Variant Classification Process June 2021. Collection method: clinical testing. Allele origin: germline.
Comment: Not observed at significant frequency in large population cohorts (gnomAD); In silico analysis supports that this missense variant has a deleterious effect on protein structure/function; Has not been previously published as pathogenic or benign to our knowledge